The following is an entry in ClinVar:

NM_004519.4(KCNQ3):c.548G>A (p.Arg183Gln)

Gene: KCNQ3 (potassium voltage-gated channel subfamily Q member 3; minus strand). Cytogenetic location: 8q24.22.
Variant type: single nucleotide variant.
Coding change: c.548G>A on transcript NM_004519.4 (MANE Select); coding-DNA position 548, G replaced by A.
Protein change: p.Arg183Gln; replaces arginine 183 with glutamine.
Molecular consequence: missense variant.
Genome position (GRCh38, 1-based): chr8:132,184,297, C>T on the plus strand (G>A on the coding strand, the complement: KCNQ3 is on the minus strand). VCF-style: chr8-132184297-C-T. GRCh37 (hg19) VCF-style: chr8-133196544-C-T.
Other names: c.188G>A, p.Arg63Gln (NM_001204824.2); short protein forms R183Q, R63Q.
Identifiers: ClinVar variation 1062685 (VCV001062685.9), dbSNP rs867625794, ClinGen allele CA186224417.

ClinVar aggregate classification (germline): Uncertain significance (1 of 4 stars; one submission).

Conditions:
Benign neonatal seizures. Also called: Benign neonatal familial convulsions; Benign familial neonatal epilepsy; Convulsions benign familial neonatal dominant form; Autosomal dominant form of benign neonatal seizures; Benign familial neonatal seizures. Identifiers: Orphanet 1949, MedGen C0220669, MONDO:0016027.

Allele frequency attached by ClinVar (database versions not stated): gnomAD exomes below 0.00001; TOPMed below 0.00001.
gnomAD v4.1: 2 of 1,614,110 alleles (0.00012%); highest among the groups gnomAD compares: East Asian, 0.0022%; no homozygotes.

Submission:

Labcorp Genetics (formerly Invitae), Labcorp
Classification: Uncertain significance for Benign neonatal seizures. Last evaluated: 2020-10-24. Review status: criteria provided, single submitter. Criteria: Invitae Variant Classification Sherloc (09022015). Collection method: clinical testing. Allele origin: germline.
Comment: This sequence change replaces arginine with glutamine at codon 183 of the KCNQ3 protein (p.Arg183Gln). The arginine residue is highly conserved and there is a small physicochemical difference between arginine and glutamine. This variant is not present in population databases (ExAC no frequency). This variant has not been reported in the literature in individuals with KCNQ3-related conditions. Advanced modeling of protein sequence and biophysical properties (such as structural, functional, and spatial information, amino acid conservation, physicochemical variation, residue mobility, and thermodynamic stability) performed at Invitae indicates that this missense variant is expected to disrupt KCNQ3 protein function. In summary, the available evidence is currently insufficient to determine the role of this variant in disease. Therefore, it has been classified as a Variant of Uncertain Significance.